The following is an entry in ClinVar:

NM_015311.3(OBSL1):c.3937G>A (p.Gly1313Arg)

Gene: OBSL1 (obscurin like cytoskeletal adaptor 1; minus strand). Cytogenetic location: 2q35.
Variant type: single nucleotide variant.
Coding change: c.3937G>A on transcript NM_015311.3 (MANE Select); coding-DNA position 3937, G replaced by A.
Protein change: p.Gly1313Arg; replaces glycine 1313 with arginine.
Molecular consequence: missense variant.
Genome position (GRCh38, 1-based): chr2:219,557,472, C>T on the plus strand (G>A on the coding strand, the complement: OBSL1 is on the minus strand). VCF-style: chr2-219557472-C-T. GRCh37 (hg19) VCF-style: chr2-220422194-C-T.
Other names: c.3937G>A, p.Gly1313Arg (NM_001173431.2); short protein forms G1313R.
Identifiers: ClinVar variation 289411 (VCV000289411.19), dbSNP rs766548555, ClinGen allele CA2130712.

ClinVar aggregate classification (germline): Uncertain significance. Review status: criteria provided, multiple submitters, no conflicts (2 of 4 stars). 7 submissions from 7 submitters: Uncertain significance (7). Last evaluated 2025-01-03.

Conditions:
3M syndrome 2. Also called: THREE M SYNDROME 2; 3-M Syndrome, OBSL1-Related. Identifiers: Orphanet 2616, MedGen C2752041, MONDO:0013039, OMIM 612921.

Allele frequency attached by ClinVar (database versions not stated): TOPMed 0.00007; gnomAD 0.00008 and 0.00010; gnomAD exomes 0.00010; ExAC 0.00013.

Submissions (7):

Women's Health and Genetics/Laboratory Corporation of America, LabCorp
Classification: Uncertain significance. Last evaluated: 2025-01-03. Review status: criteria provided, single submitter. Criteria: LabCorp Variant Classification Summary - May 2015. Collection method: clinical testing. Allele origin: germline.
Comment: Variant summary: OBSL1 c.3937G>A (p.Gly1313Arg) results in a non-conservative amino acid change in the encoded protein sequence. Three of five in-silico tools predict a damaging effect of the variant on protein function. The variant allele was found at a frequency of 0.0001 in 153440 control chromosomes. This frequency is not significantly higher than estimated for a pathogenic variant in OBSL1 causing Three M Syndrome 2 (0.0001 vs 0.0011), allowing no conclusion about variant significance. c.3937G>A has been reported in the literature in individuals affected with neurodegeneration with ataxia however, authors concluded the causal variants were in SQSTM1 gene (Haack_2016). These report(s) do not provide unequivocal conclusions about association of the variant with Three M Syndrome 2. To our knowledge, no experimental evidence demonstrating an impact on protein function has been reported. The following publication has been ascertained in the context of this evaluation (PMID: 27545679). ClinVar contains an entry for this variant (Variation ID: 289411). Based on the evidence outlined above, the variant was classified as uncertain significance.

Labcorp Genetics (formerly Invitae), Labcorp
Classification: Uncertain significance. Last evaluated: 2022-10-17. Review status: criteria provided, single submitter. Criteria: Invitae Variant Classification Sherloc (09022015). Collection method: clinical testing. Allele origin: germline.
Comment: This sequence change replaces glycine, which is neutral and non-polar, with arginine, which is basic and polar, at codon 1313 of the OBSL1 protein (p.Gly1313Arg). This variant is present in population databases (rs766548555, gnomAD 0.04%). This variant has not been reported in the literature in individuals affected with OBSL1-related conditions. ClinVar contains an entry for this variant (Variation ID: 289411). Algorithms developed to predict the effect of missense changes on protein structure and function are either unavailable or do not agree on the potential impact of this missense change (SIFT: "Tolerated"; PolyPhen-2: "Probably Damaging"; Align-GVGD: "Class C0"). In summary, the available evidence is currently insufficient to determine the role of this variant in disease. Therefore, it has been classified as a Variant of Uncertain Significance.

GeneDx
Classification: Uncertain significance. Last evaluated: 2019-11-04. Review status: criteria provided, single submitter. Criteria: GeneDx Variant Classification Process June 2021. Collection method: clinical testing. Allele origin: germline. Affected: yes.
Comment: In silico analysis, which includes protein predictors and evolutionary conservation, supports that this variant does not alter protein structure/function; Has not been previously published as pathogenic or benign to our knowledge

Fulgent Genetics
Classification: Uncertain significance for 3M syndrome 2. Last evaluated: 2018-10-31. Review status: criteria provided, single submitter. Criteria: ACMG Guidelines, 2015. Collection method: clinical testing. Allele origin: unknown.

Illumina Laboratory Services, Illumina
Classification: Uncertain significance for 3M syndrome 2. Last evaluated: 2018-01-12. Review status: criteria provided, single submitter. Criteria: ICSL Variant Classification Criteria 13 December 2019. Collection method: clinical testing. Allele origin: germline.

Eurofins Ntd Llc (ga)
Classification: Uncertain significance. Last evaluated: 2016-08-10. Review status: criteria provided, single submitter. Criteria: EGL Classification Definitions 2015. Collection method: clinical testing. Allele origin: germline. Observed: 1 variant allele, 1 homozygote.

Breakthrough Genomics
Classification: Uncertain significance. Review status: criteria provided, single submitter. Criteria: ACMG Guidelines, 2015. Collection method: not provided. Allele origin: germline. Inheritance: Autosomal recessive inheritance. Affected: yes.

Literature cited by the submitters: PubMed 27545679 (cited by Women's Health and Genetics/Laboratory Corporation of America, LabCorp).